The following is an entry in ClinVar:

ClinVar aggregate classification (germline): Uncertain significance (1 of 4 stars; one submission).

Submission:

Labcorp Genetics (formerly Invitae), Labcorp
Classification: Uncertain significance. Last evaluated: 2023-01-09. Review status: criteria provided, single submitter. Criteria: Invitae Variant Classification Sherloc (09022015). Collection method: clinical testing. Allele origin: germline.
Comment: This sequence change replaces valine, which is neutral and non-polar, with alanine, which is neutral and non-polar, at codon 176 of the KLHL7 protein (p.Val176Ala). This variant is not present in population databases (gnomAD no frequency). This variant has not been reported in the literature in individuals affected with KLHL7-related conditions. Algorithms developed to predict the effect of missense changes on protein structure and function (SIFT, PolyPhen-2, Align-GVGD) all suggest that this variant is likely to be disruptive. In summary, the available evidence is currently insufficient to determine the role of this variant in disease. Therefore, it has been classified as a Variant of Uncertain Significance.

NM_001031710.3(KLHL7):c.527T>C (p.Val176Ala)

Gene: KLHL7 (kelch like family member 7; plus strand). Cytogenetic location: 7p15.3.
Variant type: single nucleotide variant.
Coding change: c.527T>C on transcript NM_001031710.3 (MANE Select); coding-DNA position 527, T replaced by C.
Protein change: p.Val176Ala; replaces valine 176 with alanine.
Molecular consequence: missense variant. On other transcripts: non-coding transcript variant (1).
Genome position (GRCh38, 1-based): chr7:23,140,853, T>C. VCF-style: chr7-23140853-T-C. GRCh37 (hg19) VCF-style: chr7-23180472-T-C.
Other names: c.383T>C, p.Val128Ala (NM_018846.5); short protein forms V128A, V176A.
Identifiers: ClinVar variation 2827269 (VCV002827269.3), dbSNP rs2534860760, ClinGen allele CA366976205.